The following is an entry in ClinVar:

NM_000532.5(PCCB):c.1140C>G (p.Phe380Leu)

Gene: PCCB (propionyl-CoA carboxylase subunit beta; plus strand). Cytogenetic location: 3q22.3.
Variant type: single nucleotide variant.
Coding change: c.1140C>G on transcript NM_000532.5 (MANE Select); coding-DNA position 1140, C replaced by G.
Protein change: p.Phe380Leu; replaces phenylalanine 380 with leucine.
Molecular consequence: missense variant.
Genome position (GRCh38, 1-based): chr3:136,326,852, C>G. VCF-style: chr3-136326852-C-G. GRCh37 (hg19) VCF-style: chr3-136045694-C-G.
Other names: c.1200C>G, p.Phe400Leu (NM_001178014.2); short protein forms F380L, F400L.
Identifiers: ClinVar variation 1446678 (VCV001446678.3), dbSNP rs1277882976, ClinGen allele CA354648589.

ClinVar aggregate classification (germline): Uncertain significance (1 of 4 stars; one submission).

Conditions:
Propionic acidemia (PROP). Also called: GLYCINEMIA, KETOTIC; HYPERGLYCINEMIA WITH KETOACIDOSIS AND LEUKOPENIA; KETOTIC HYPERGLYCINEMIA. Identifiers: Orphanet 35, MedGen C0268579, MONDO:0011628, OMIM 606054, HP:0003571.

Allele frequency attached by ClinVar (database versions not stated): gnomAD 0.00001; TOPMed 0.00001.
gnomAD v4.1: 22 of 1,613,360 alleles (0.0014%); highest among the groups gnomAD compares: Non-Finnish European, 0.0019%; no homozygotes.

Submission:

Labcorp Genetics (formerly Invitae), Labcorp
Classification: Uncertain significance for Propionic acidemia. Last evaluated: 2021-10-14. Review status: criteria provided, single submitter. Criteria: Invitae Variant Classification Sherloc (09022015). Collection method: clinical testing. Allele origin: germline.
Comment: This sequence change replaces phenylalanine with leucine at codon 380 of the PCCB protein (p.Phe380Leu). The phenylalanine residue is highly conserved and there is a small physicochemical difference between phenylalanine and leucine. This variant is not present in population databases (ExAC no frequency). This variant has not been reported in the literature in individuals with PCCB-related conditions. Algorithms developed to predict the effect of missense changes on protein structure and function are either unavailable or do not agree on the potential impact of this missense change (SIFT: "Deleterious"; PolyPhen-2: "Probably Damaging"; Align-GVGD: "Class C15"). In summary, the available evidence is currently insufficient to determine the role of this variant in disease. Therefore, it has been classified as a Variant of Uncertain Significance.